The following is an entry in ClinVar:

NM_198578.4(LRRK2):c.3504G>A (p.Met1168Ile)

Gene: LRRK2 (leucine rich repeat kinase 2; plus strand). Cytogenetic location: 12q12.
Variant type: single nucleotide variant.
Coding change: c.3504G>A on transcript NM_198578.4 (MANE Select); coding-DNA position 3504, G replaced by A.
Protein change: p.Met1168Ile; replaces methionine 1168 with isoleucine.
Molecular consequence: missense variant.
Genome position (GRCh38, 1-based): chr12:40,302,796, G>A. VCF-style: chr12-40302796-G-A. GRCh37 (hg19) VCF-style: chr12-40696598-G-A.
Other names: short protein forms M1168I.
Identifiers: ClinVar variation 2567337 (VCV002567337.2), dbSNP rs2499774840, ClinGen allele CA384416309.

ClinVar aggregate classification (germline): Uncertain significance (1 of 4 stars; one submission).

Conditions:
Inborn genetic diseases. Identifiers: MedGen C0950123, MeSH D030342.

Submission:

Ambry Genetics
Classification: Uncertain significance for Inborn genetic diseases. Last evaluated: 2023-03-30. Review status: criteria provided, single submitter. Criteria: Ambry Variant Classification Scheme 2023. Collection method: clinical testing. Allele origin: germline.
Comment: The p.M1168I variant (also known as c.3504G>A), located in coding exon 26 of the LRRK2 gene, results from a G to A substitution at nucleotide position 3504. The methionine at codon 1168 is replaced by isoleucine, an amino acid with highly similar properties. This amino acid position is conserved. In addition, this alteration is predicted to be tolerated by in silico analysis. Since supporting evidence is limited at this time, the clinical significance of this alteration remains unclear.